The following is an entry in ClinVar:

ClinVar aggregate classification (germline): Uncertain significance. Review status: criteria provided, multiple submitters, no conflicts (2 of 4 stars). 2 submissions from 2 submitters: Uncertain significance (2). Last evaluated 2026-10-15.

Conditions:
Familial thoracic aortic aneurysm and aortic dissection (TAAD). Also called: Thoracic aortic aneurysms and dissections. Identifiers: Orphanet 91387, MedGen C4707243, MONDO:0019625.

Submissions (2):

GeneDx
Classification: Uncertain significance. Last evaluated: 2026-10-15. Review status: criteria provided, single submitter. Criteria: GeneDx Variant Classification Process June 2021. Collection method: clinical testing. Allele origin: germline.
Comment: Not observed at significant frequency in large population cohorts (gnomAD); In silico analysis supports that this missense variant does not alter protein structure/function; Has not been previously published as pathogenic or benign to our knowledge; Does not affect a cysteine or calcium-binding residue within an EGF-like domain or a TGF-binding protein domain of the FBN1 gene; cysteine substitutions in the EGF-like domains represent the majority of pathogenic missense changes associated with FBN1-related disorders (PMID: 12938084); This variant is associated with the following publications: (PMID: 12938084)

Color Diagnostics, LLC DBA Color Health
Classification: Uncertain significance for Familial thoracic aortic aneurysm and aortic dissection. Last evaluated: 2024-03-06. Review status: criteria provided, single submitter. Criteria: ACMG Guidelines, 2015. Collection method: clinical testing. Allele origin: germline.
Comment: This missense variant replaces isoleucine with valine at codon 466 of the FBN1 protein. Computational prediction suggests that this variant may not impact protein structure and function (internally defined REVEL score threshold <= 0.5, PMID: 27666373). Splice site prediction tools suggest that this variant may not impact RNA splicing. To our knowledge, functional studies have not been performed for this variant. This variant has not been reported in individuals affected with cardiovascular disorders in the literature. This variant has not been identified in the general population by the Genome Aggregation Database (gnomAD). The available evidence is insufficient to determine the role of this variant in disease conclusively. Therefore, this variant is classified as a Variant of Uncertain Significance.

NM_000138.5(FBN1):c.1396A>G (p.Ile466Val)

Gene: FBN1 (fibrillin 1; minus strand). Cytogenetic location: 15q21.1.
Variant type: single nucleotide variant.
Coding change: c.1396A>G on transcript NM_000138.5 (MANE Select); coding-DNA position 1396, A replaced by G.
Protein change: p.Ile466Val; replaces isoleucine 466 with valine.
Molecular consequence: missense variant.
Genome position (GRCh38, 1-based): chr15:48,515,459, T>C on the plus strand (A>G on the coding strand, the complement: FBN1 is on the minus strand). VCF-style: chr15-48515459-T-C. GRCh37 (hg19) VCF-style: chr15-48807656-T-C.
Other names: short protein forms I466V.
Identifiers: ClinVar variation 924718 (VCV000924718.6), dbSNP rs2043792834, ClinGen allele CA392343811.